The following is an entry in ClinVar:

NM_001354930.2(RIPK1):c.1432C>A (p.Pro478Thr)

Gene: RIPK1 (receptor interacting serine/threonine kinase 1; plus strand). Cytogenetic location: 6p25.2.
Variant type: single nucleotide variant.
Coding change: c.1432C>A on transcript NM_001354930.2 (MANE Select); coding-DNA position 1432, C replaced by A.
Protein change: p.Pro478Thr; replaces proline 478 with threonine.
Molecular consequence: missense variant.
Genome position (GRCh38, 1-based): chr6:3,105,907, C>A. VCF-style: chr6-3105907-C-A. GRCh37 (hg19) VCF-style: chr6-3106141-C-A.
Other names: c.943C>A, p.Pro315Thr (NM_001317061.3, NM_001354932.2, NM_001354933.2 and 1 more transcripts); c.1294C>A, p.Pro432Thr (NM_001354931.2); c.1432C>A, p.Pro478Thr (NM_003804.6); short protein forms P315T, P432T, P478T.
Identifiers: ClinVar variation 1718794 (VCV001718794.5), dbSNP rs772895143, ClinGen allele CA3618425.
Genomic context (GRCh38, chr6:3,105,907, plus strand): 5'-CAACCTCAAGTACTGTATCAGAACAATGGATTATATAGCTCACATGGCTTTGGAACAAGA[C>A]CACTGGATCCAGGAACAGCAGGTCCCAGAGTTTGGTACAGGCCAATTCCAAGTCATATGC-3'
Protein context (NP_001341859.1, residues 468-488): LYSSHGFGTR[Pro478Thr]LDPGTAGPRV

ClinVar aggregate classification (germline): Uncertain significance (1 of 4 stars; one submission).

Allele frequency attached by ClinVar (database versions not stated): gnomAD 0.00001; gnomAD exomes 0.00001; TOPMed 0.00001; ExAC 0.00004.
gnomAD v4.1: 14 of 1,614,000 alleles (0.00087%); highest among the groups gnomAD compares: Non-Finnish European, 0.0011%; no homozygotes.

Submission:

Labcorp Genetics (formerly Invitae), Labcorp
Classification: Uncertain significance. Last evaluated: 2022-09-03. Review status: criteria provided, single submitter. Criteria: Invitae Variant Classification Sherloc (09022015). Collection method: clinical testing. Allele origin: germline.
Comment: In summary, the available evidence is currently insufficient to determine the role of this variant in disease. Therefore, it has been classified as a Variant of Uncertain Significance. Algorithms developed to predict the effect of missense changes on protein structure and function output the following: SIFT: "Not Available"; PolyPhen-2: "Benign"; Align-GVGD: "Not Available". The threonine amino acid residue is found in multiple mammalian species, which suggests that this missense change does not adversely affect protein function. This variant has not been reported in the literature in individuals affected with RIPK1-related conditions. This variant is present in population databases (rs772895143, gnomAD 0.007%). This sequence change replaces proline, which is neutral and non-polar, with threonine, which is neutral and polar, at codon 478 of the RIPK1 protein (p.Pro478Thr).